The following is an entry in ClinVar:

ClinVar aggregate classification (germline): Uncertain significance (1 of 4 stars; one submission).

Conditions:
RASopathy. Also called: rasopathies; Noonan spectrum disorder. Identifiers: Orphanet 536391, MedGen C5555857, MONDO:0021060.

Submission:

Labcorp Genetics (formerly Invitae), Labcorp
Classification: Uncertain significance for RASopathy. Last evaluated: 2024-08-06. Review status: criteria provided, single submitter. Criteria: Invitae Variant Classification Sherloc (09022015). Collection method: clinical testing. Allele origin: germline.
Comment: This sequence change replaces alanine, which is neutral and non-polar, with aspartic acid, which is acidic and polar, at codon 905 of the CBL protein (p.Ala905Asp). This variant is not present in population databases (gnomAD no frequency). This variant has not been reported in the literature in individuals affected with CBL-related conditions. ClinVar contains an entry for this variant (Variation ID: 1930478). Advanced modeling of protein sequence and biophysical properties (such as structural, functional, and spatial information, amino acid conservation, physicochemical variation, residue mobility, and thermodynamic stability) performed at Invitae indicates that this missense variant is not expected to disrupt CBL protein function with a negative predictive value of 95%. In summary, the available evidence is currently insufficient to determine the role of this variant in disease. Therefore, it has been classified as a Variant of Uncertain Significance.

NM_005188.4(CBL):c.2714C>A (p.Ala905Asp)

Gene: CBL (Cbl proto-oncogene; plus strand). Cytogenetic location: 11q23.3.
Variant type: single nucleotide variant.
Coding change: c.2714C>A on transcript NM_005188.4 (MANE Select); coding-DNA position 2714, C replaced by A.
Protein change: p.Ala905Asp; replaces alanine 905 with aspartic acid.
Molecular consequence: missense variant.
Genome position (GRCh38, 1-based): chr11:119,299,774, C>A. VCF-style: chr11-119299774-C-A. GRCh37 (hg19) VCF-style: chr11-119170484-C-A.
Other names: short protein forms A905D.
Identifiers: ClinVar variation 1930478 (VCV001930478.5), dbSNP rs1248988094, ClinGen allele CA382934472.